The following is an entry in ClinVar:

ClinVar aggregate classification (germline): Conflicting classifications of pathogenicity. Review status: criteria provided, conflicting classifications (1 of 4 stars). 2 submissions from 2 submitters: Uncertain significance (1); Likely benign (1). Last evaluated 2023-03-23.

Conditions:
Hereditary cancer-predisposing syndrome. Also called: Tumor predisposition; Hereditary neoplastic syndrome; Hereditary Cancer Syndrome; Neoplastic Syndromes, Hereditary. Identifiers: Orphanet 140162, MedGen C0027672, MeSH D009386, MONDO:0015356.
Hereditary breast ovarian cancer syndrome. Also called: BRCA1- and BRCA2-Associated Hereditary Breast and Ovarian Cancer; Hereditary breast and/or ovarian cancer syndrome; Hereditary breast and ovarian cancer syndrome; Hereditary breast and ovarian cancer; Breast and ovarian cancer; Hereditary breast and ovarian cancer syndrome (HBOC). Identifiers: Orphanet 145, MedGen C0677776, MeSH D061325, MONDO:0003582. Disease mechanism: loss of function.

gnomAD v4.1: 1 of 1,614,106 alleles (0.000062%); no homozygotes.

Submissions (2):

University of Washington Department of Laboratory Medicine, University of Washington
Classification: Likely benign for Hereditary cancer-predisposing syndrome. Last evaluated: 2023-03-23. Review status: criteria provided, single submitter. Criteria: Dines et al. (Genet Med. 2020). Collection method: curation. Allele origin: germline.
Comment: Missense variant in a coldspot region where missense variants are very unlikely to be pathogenic (PMID:31911673).

BRCA2 exon 11 coldspot. Reclassification based on statistical prior probability.

Labcorp Genetics (formerly Invitae), Labcorp
Classification: Uncertain significance for Hereditary breast ovarian cancer syndrome. Last evaluated: 2020-02-04. Review status: criteria provided, single submitter. Criteria: Invitae Variant Classification Sherloc (09022015). Collection method: clinical testing. Allele origin: germline.
Comment: This variant has not been reported in the literature in individuals with BRCA2-related conditions. This variant is not present in population databases (ExAC no frequency). This sequence change replaces aspartic acid with glycine at codon 752 of the BRCA2 protein (p.Asp752Gly). The aspartic acid residue is weakly conserved and there is a moderate physicochemical difference between aspartic acid and glycine. Algorithms developed to predict the effect of missense changes on protein structure and function (SIFT, PolyPhen-2, Align-GVGD) all suggest that this variant is likely to be tolerated, but these predictions have not been confirmed by published functional studies and their clinical significance is uncertain. In summary, the available evidence is currently insufficient to determine the role of this variant in disease. Therefore, it has been classified as a Variant of Uncertain Significance.

NM_000059.4(BRCA2):c.2255A>G (p.Asp752Gly)

Gene: BRCA2 (BRCA2 DNA repair associated; plus strand). Cytogenetic location: 13q13.1.
Variant type: single nucleotide variant.
Coding change: c.2255A>G on transcript NM_000059.4 (MANE Select); coding-DNA position 2255, A replaced by G.
Protein change: p.Asp752Gly; replaces aspartic acid 752 with glycine.
Molecular consequence: missense variant.
Genome position (GRCh38, 1-based): chr13:32,336,610, A>G. VCF-style: chr13-32336610-A-G. GRCh37 (hg19) VCF-style: chr13-32910747-A-G.
Other names: short protein forms D752G.
Identifiers: ClinVar variation 937419 (VCV000937419.11), dbSNP rs2072453670, ClinGen allele CA387770932.